The following is an entry in ClinVar:

NM_001232.4(CASQ2):c.862C>G (p.Leu288Val)

Gene: CASQ2 (calsequestrin 2; minus strand). Cytogenetic location: 1p13.1.
Variant type: single nucleotide variant.
Coding change: c.862C>G on transcript NM_001232.4 (MANE Select); coding-DNA position 862, C replaced by G.
Protein change: p.Leu288Val; replaces leucine 288 with valine.
Molecular consequence: missense variant.
Genome position (GRCh38, 1-based): chr1:115,705,269, G>C on the plus strand (C>G on the coding strand, the complement: CASQ2 is on the minus strand). VCF-style: chr1-115705269-G-C. GRCh37 (hg19) VCF-style: chr1-116247890-G-C.
Other names: short protein forms L288V.
Identifiers: ClinVar variation 1427813 (VCV001427813.10), dbSNP rs772096506, ClinGen allele CA1023711.

ClinVar aggregate classification (germline): Uncertain significance. Review status: criteria provided, multiple submitters, no conflicts (2 of 4 stars). 5 submissions from 5 submitters: Uncertain significance (5). Last evaluated 2025-07-09.

Conditions:
Catecholaminergic polymorphic ventricular tachycardia 1. Also called: VENTRICULAR TACHYCARDIA, CATECHOLAMINERGIC POLYMORPHIC, 1, WITH OR WITHOUT ATRIAL DYSFUNCTION AND/OR DILATED CARDIOMYOPATHY; RYR2-Related Catecholaminergic Polymorphic Ventricular Tachycardia; VENTRICULAR TACHYCARDIA, STRESS-INDUCED POLYMORPHIC 1. Identifiers: Orphanet 3286, MedGen C1631597, MONDO:0011484, OMIM 604772.
Cardiovascular phenotype. Identifiers: MedGen CN230736.
Catecholaminergic polymorphic ventricular tachycardia 2. Also called: CASQ2-Related Catecholaminergic Polymorphic Ventricular Tachycardia; VENTRICULAR TACHYCARDIA, STRESS-INDUCED POLYMORPHIC 2. Identifiers: Orphanet 3286, MedGen C2677794, MONDO:0012762, OMIM 611938.

Allele frequency attached by ClinVar (database versions not stated): ExAC 0.00001; gnomAD 0.00001; gnomAD exomes 0.00002 and 0.00003; TOPMed 0.00002.
gnomAD v4.1: 11 of 1,613,450 alleles (0.00068%); highest among the groups gnomAD compares: Admixed American, 0.018%; no homozygotes.

Submissions (5):

GeneDx
Classification: Uncertain significance. Last evaluated: 2025-07-09. Review status: criteria provided, single submitter. Criteria: GeneDx Variant Classification Process June 2021. Collection method: clinical testing. Allele origin: germline. Affected: yes.
Comment: In silico analysis suggests that this missense variant does not alter protein structure/function; Has not been previously published as pathogenic or benign in association with a CASQ2-related disorder to our knowledge; This variant is associated with the following publications: (PMID: 37995796, 28404607)

Ambry Genetics
Classification: Uncertain significance for Cardiovascular phenotype. Last evaluated: 2025-01-04. Review status: criteria provided, single submitter. Criteria: Ambry Variant Classification Scheme 2023. Collection method: clinical testing. Allele origin: germline.

Genome-Nilou Lab
Classification: Uncertain significance for Catecholaminergic polymorphic ventricular tachycardia 2. Last evaluated: 2023-04-11. Review status: criteria provided, single submitter. Criteria: ACMG Guidelines, 2015. Collection method: clinical testing. Allele origin: germline. Affected: no.

Labcorp Genetics (formerly Invitae), Labcorp
Classification: Uncertain significance for Catecholaminergic polymorphic ventricular tachycardia 1. Last evaluated: 2022-07-27. Review status: criteria provided, single submitter. Criteria: Invitae Variant Classification Sherloc (09022015). Collection method: clinical testing. Allele origin: germline.
Comment: This sequence change replaces leucine, which is neutral and non-polar, with valine, which is neutral and non-polar, at codon 288 of the CASQ2 protein (p.Leu288Val). This variant is present in population databases (rs772096506, gnomAD 0.02%). This variant has not been reported in the literature in individuals affected with CASQ2-related conditions. ClinVar contains an entry for this variant (Variation ID: 1427813). Algorithms developed to predict the effect of missense changes on protein structure and function are either unavailable or do not agree on the potential impact of this missense change (SIFT: "Deleterious"; PolyPhen-2: "Benign"; Align-GVGD: "Class C25"). In summary, the available evidence is currently insufficient to determine the role of this variant in disease. Therefore, it has been classified as a Variant of Uncertain Significance.

Clinical Genomics Laboratory, Stanford Medicine
Classification: Uncertain significance. Last evaluated: 2022-01-03. Review status: criteria provided, single submitter. Criteria: ACMG Guidelines, 2015. Collection method: clinical testing. Allele origin: germline. Observed: 1 variant allele, 1 heterozygote.
Comment: The p.Leu288Val variant in the CASQ2 gene has not been previously reported in association with disease. This variant has been identified in 8/34,582 Latino/Admixed American chromosomes (8/251,306 chromosomes overall) by the Genome Aggregation Database. Although this variant has been seen in the general population, it has not been observed at a frequency high enough to rule out pathogenicity and has been observed at a frequency low enough to be consistent with an autosomal recessive carrier status. The leucine at position 288 is evolutionarily conserved, however, at least 1 vertebrate species has a valine at this position. Computational tools do not predict that the p.Leu288Val variant impacts protein function; however, the accuracy of in silico algorithms is limited. These data were assessed using the ACMG/AMP variant interpretation guidelines. In summary, the significance of the p.Leu288Val variant is uncertain. Additional information is needed to resolve the significance of this variant. [ACMG evidence codes used: PM2_Supporting]